The following is an entry in ClinVar:

ClinVar aggregate classification (germline): Uncertain significance (1 of 4 stars; one submission).

Conditions:
Hereditary cancer-predisposing syndrome. Also called: Tumor predisposition; Hereditary neoplastic syndrome; Hereditary Cancer Syndrome; Neoplastic Syndromes, Hereditary. Identifiers: Orphanet 140162, MedGen C0027672, MeSH D009386, MONDO:0015356.

Submission:

Ambry Genetics
Classification: Uncertain significance for Hereditary cancer-predisposing syndrome. Last evaluated: 2025-05-17. Review status: criteria provided, single submitter. Criteria: Ambry Variant Classification Scheme 2023. Collection method: clinical testing. Allele origin: germline.
Comment: The p.N1330I variant (also known as c.3989A>T), located in coding exon 28 of the SMARCA4 gene, results from an A to T substitution at nucleotide position 3989. The asparagine at codon 1330 is replaced by isoleucine, an amino acid with dissimilar properties. This amino acid position is conserved. In addition, the in silico prediction for this alteration is inconclusive. Based on the available evidence, the clinical significance of this variant remains unclear.

NM_003072.5(SMARCA4):c.3989A>T (p.Asn1330Ile)

Gene: SMARCA4 (SWI/SNF related BAF chromatin remodeling complex subunit ATPase 4; plus strand). Cytogenetic location: 19p13.2.
Variant type: single nucleotide variant.
Coding change: c.3989A>T on transcript NM_003072.5 (MANE Select); coding-DNA position 3989, A replaced by T.
Protein change: p.Asn1330Ile; replaces asparagine 1330 with isoleucine.
Molecular consequence: missense variant. On other transcripts: non-coding transcript variant (1).
Genome position (GRCh38, 1-based): chr19:11,034,951, A>T. VCF-style: chr19-11034951-A-T. GRCh37 (hg19) VCF-style: chr19-11145627-A-T.
Other names: c.3989A>T, p.Asn1330Ile (NM_001128844.3, NM_001128849.3, NM_001387283.1); c.3890A>T, p.Asn1297Ile (NM_001128845.2, NM_001128846.2, NM_001128847.4 and 3 more transcripts); short protein forms N1297I, N1330I.
Identifiers: ClinVar variation 3958469 (VCV003958469.1).